The following is an entry in ClinVar:

ClinVar aggregate classification (germline): Uncertain significance (1 of 4 stars; one submission).

Conditions:
Hereditary cancer-predisposing syndrome. Also called: Neoplastic Syndromes, Hereditary; Tumor predisposition; Hereditary Cancer Syndrome; Hereditary neoplastic syndrome. Identifiers: Orphanet 140162, MedGen C0027672, MeSH D009386, MONDO:0015356.

Submission:

Ambry Genetics
Classification: Uncertain significance for Hereditary cancer-predisposing syndrome. Last evaluated: 2022-01-12. Review status: criteria provided, single submitter. Criteria: Ambry Variant Classification Scheme 2023. Collection method: clinical testing. Allele origin: germline.
Comment: The p.S2512R variant (also known as c.7534A>C), located in coding exon 15 of the APC gene, results from an A to C substitution at nucleotide position 7534. The serine at codon 2512 is replaced by arginine, an amino acid with dissimilar properties. This amino acid position is conserved. In addition, in silico predictors for this gene do not accurately predict pathogenicity. Since supporting evidence is limited at this time, the clinical significance of this alteration remains unclear.

NM_000038.6(APC):c.7534A>C (p.Ser2512Arg)

Gene: APC (APC regulator of Wnt signaling pathway; plus strand). Cytogenetic location: 5q22.2.
Variant type: single nucleotide variant.
Coding change: c.7534A>C on transcript NM_000038.6 (MANE Select); coding-DNA position 7534, A replaced by C.
Protein change: p.Ser2512Arg; replaces serine 2512 with arginine.
Molecular consequence: missense variant.
Genome position (GRCh38, 1-based): chr5:112,843,128, A>C. VCF-style: chr5-112843128-A-C. GRCh37 (hg19) VCF-style: chr5-112178825-A-C.
Other names: c.7564A>C, p.Ser2522Arg (NM_001354897.2); c.7357A>C, p.Ser2453Arg (NM_001354901.2, NM_001407453.1); c.7261A>C, p.Ser2421Arg (NM_001354902.2); c.7450A>C, p.Ser2484Arg (NM_001354899.2); c.7411A>C, p.Ser2471Arg (NM_001354900.2); c.7459A>C, p.Ser2487Arg (NM_001354898.2); c.7534A>C, p.Ser2512Arg (NM_001127510.3, NM_001354895.2, NM_001407450.1); c.7480A>C, p.Ser2494Arg (NM_001127511.3); and 11 more; short protein forms S2484R, S2512R, S2128R, S2352R, S2386R, S2421R, S2471R, S2411R.
Identifiers: ClinVar variation 1759394 (VCV001759394.2), dbSNP rs2149989101, ClinGen allele CA16037706.